The following is an entry in ClinVar:

ClinVar aggregate classification (germline): Uncertain significance (1 of 4 stars; one submission).

Conditions:
Glycogen storage disease IXd (GSD9D). Also called: GSD IXd; Muscle Phosphorylase Kinase Deficiency. Identifiers: Orphanet 715, MedGen C1845151, MONDO:0010362, OMIM 300559.

Allele frequency attached by ClinVar (database versions not stated): ExAC 0.00003; gnomAD 0.00006; TOPMed 0.00015; 1000 Genomes Project 30x 0.00021; 1000 Genomes Project 0.00026.
gnomAD v4.1: 49 of 1,210,117 alleles (0.004%); highest among the groups gnomAD compares: African/African-American, 0.047%; 1 homozygote.

Submissions (2):

Labcorp Genetics (formerly Invitae), Labcorp
Classification: Uncertain significance for Glycogen storage disease IXd. Last evaluated: 2025-10-21. Review status: criteria provided, single submitter. Criteria: Invitae Variant Classification Sherloc (09022015). Collection method: clinical testing. Allele origin: germline.
Comment: This sequence change replaces aspartic acid, which is acidic and polar, with asparagine, which is neutral and polar, at codon 572 of the PHKA1 protein (p.Asp572Asn). This variant also falls at the last nucleotide of exon 16, which is part of the consensus splice site for this exon. This variant is present in population databases (rs113352627, gnomAD 0.04%). This variant has not been reported in the literature in individuals affected with PHKA1-related conditions. ClinVar contains an entry for this variant (Variation ID: 952952). An algorithm developed to predict the effect of missense changes on protein structure and function (PolyPhen-2) suggests that this variant is likely to be tolerated. Variants that disrupt the consensus splice site are a relatively common cause of aberrant splicing (PMID: 17576681, 9536098). Algorithms developed to predict the effect of sequence changes on RNA splicing suggest that this variant may disrupt the consensus splice site. In summary, the available evidence is currently insufficient to determine the role of this variant in disease. Therefore, it has been classified as a Variant of Uncertain Significance.

Dr. Peter K. Rogan Lab, Western University
No classification provided (evidence only). Condition: Cervical cancer. Review status: no classification provided. Collection method: in vitro. Allele origin: not applicable. Functional consequence: retained intron. Not counted in ClinVar's aggregate classification.

Literature cited by the submitters: PubMed 17576681 (cited by Labcorp Genetics (formerly Invitae), Labcorp); PubMed 9536098 (cited by Labcorp Genetics (formerly Invitae), Labcorp).

NM_002637.4(PHKA1):c.1714G>A (p.Asp572Asn)

Gene: PHKA1 (phosphorylase kinase regulatory subunit alpha 1; minus strand). Cytogenetic location: Xq13.1.
Variant type: single nucleotide variant.
Coding change: c.1714G>A on transcript NM_002637.4 (MANE Select); coding-DNA position 1714, G replaced by A.
Protein change: p.Asp572Asn; replaces aspartic acid 572 with asparagine.
Molecular consequence: missense variant.
Genome position (GRCh38, 1-based): chrX:72,635,155, C>T on the plus strand (G>A on the coding strand, the complement: PHKA1 is on the minus strand). VCF-style: chrX-72635155-C-T. GRCh37 (hg19) VCF-style: chrX-71855005-C-T.
Other names: c.1714G>A, p.Asp572Asn (NM_001122670.2, NM_001172436.2); short protein forms D572N.
Identifiers: ClinVar variation 952952 (VCV000952952.11), dbSNP rs113352627, ClinGen allele CA10450831.